The following is an entry in ClinVar:

ClinVar aggregate classification (germline): Pathogenic. Review status: criteria provided, multiple submitters, no conflicts (2 of 4 stars). 3 submissions from 3 submitters: Pathogenic (2). 1 of the submissions does not count toward it. Last evaluated 2025-02-21.

Conditions:
Hermansky-Pudlak syndrome (HPS). Also called: ALBINISM WITH HEMORRHAGIC DIATHESIS AND PIGMENTED RETICULOENDOTHELIAL CELLS. Identifiers: Orphanet 79430, MedGen C0079504, MONDO:0019312.

Submissions (3):

Women's Health and Genetics/Laboratory Corporation of America, LabCorp
Classification: Pathogenic for Hermansky-Pudlak syndrome. Last evaluated: 2025-02-21. Review status: criteria provided, single submitter. Criteria: LabCorp Variant Classification Summary - May 2015. Collection method: clinical testing. Allele origin: germline.
Comment: Variant summary: HPS1 c.1342T>C (p.Trp448Arg) results in a non-conservative amino acid change in the encoded protein sequence. Four of five in-silico tools predict a damaging effect of the variant on protein function. The variant was absent in 248336 control chromosomes. c.1342T>C has been reported in the literature in multiple individuals from a large family affected with Hermansky-Pudlak Syndrome (example, Yousaf_2016). These data indicate that the variant is very likely to be associated with disease. To our knowledge, no experimental evidence demonstrating an impact on protein function has been reported. The following publications have been ascertained in the context of this evaluation (PMID: 31898847, 26575419). ClinVar contains an entry for this variant (Variation ID: 690341). Based on the evidence outlined above, the variant was classified as pathogenic.

Labcorp Genetics (formerly Invitae), Labcorp
Classification: Pathogenic. Last evaluated: 2023-11-15. Review status: criteria provided, single submitter. Criteria: Invitae Variant Classification Sherloc (09022015). Collection method: clinical testing. Allele origin: germline.
Comment: This sequence change replaces tryptophan, which is neutral and slightly polar, with arginine, which is basic and polar, at codon 448 of the HPS1 protein (p.Trp448Arg). This variant is not present in population databases (gnomAD no frequency). This missense change has been observed in individual(s) with Hermansky-Pudlak syndrome (PMID: 26575419). It has also been observed to segregate with disease in related individuals. ClinVar contains an entry for this variant (Variation ID: 690341). Advanced modeling of protein sequence and biophysical properties (such as structural, functional, and spatial information, amino acid conservation, physicochemical variation, residue mobility, and thermodynamic stability) performed at Invitae indicates that this missense variant is expected to disrupt HPS1 protein function with a positive predictive value of 80%. This variant disrupts the p.Trp448 amino acid residue in HPS1. Other variant(s) that disrupt this residue have been determined to be pathogenic (Invitae). This suggests that this residue is clinically significant, and that variants that disrupt this residue are likely to be disease-causing. For these reasons, this variant has been classified as Pathogenic.

University of Washington Center for Mendelian Genomics, University of Washington
Classification: Likely pathogenic for Hermansky-Pudlak syndrome. Last evaluated: 2015-12-18. Review status: no assertion criteria provided. Collection method: research. Allele origin: unknown. Affected: yes. Not counted in ClinVar's aggregate classification.

Literature cited by the submitters: PubMed 31898847 (cited by Women's Health and Genetics/Laboratory Corporation of America, LabCorp); PubMed 26575419 (cited by 3 submitters).

NM_000195.5(HPS1):c.1342T>C (p.Trp448Arg)

Gene: HPS1 (HPS1 biogenesis of lysosomal organelles complex 3 subunit 1; minus strand). Cytogenetic location: 10q24.2.
Variant type: single nucleotide variant.
Coding change: c.1342T>C on transcript NM_000195.5 (MANE Select); coding-DNA position 1342, T replaced by C.
Protein change: p.Trp448Arg; replaces tryptophan 448 with arginine.
Molecular consequence: missense variant.
Genome position (GRCh38, 1-based): chr10:98,424,368, A>G on the plus strand (T>C on the coding strand, the complement: HPS1 is on the minus strand). VCF-style: chr10-98424368-A-G. GRCh37 (hg19) VCF-style: chr10-100184125-A-G.
Other names: c.370T>C, p.Trp124Arg (NM_001311345.2, NM_001322487.2, NM_001322489.2); c.1342T>C, p.Trp448Arg (NM_001322476.2, NM_001322477.2); c.1243T>C, p.Trp415Arg (NM_001322478.2, NM_001322479.2); c.1081T>C, p.Trp361Arg (NM_001322480.2, NM_001322481.2); c.982T>C, p.Trp328Arg (NM_001322482.2); c.973T>C, p.Trp325Arg (NM_001322483.2, NM_001322484.2); c.874T>C, p.Trp292Arg (NM_001322485.2); short protein forms W124R, W292R, W325R, W328R, W361R, W415R, W448R.
Identifiers: ClinVar variation 690341 (VCV000690341.5), dbSNP rs1591045080, ClinGen allele CA378046952.